The following is an entry in ClinVar:

ClinVar aggregate classification (germline): Conflicting classifications of pathogenicity. Review status: criteria provided, conflicting classifications (1 of 4 stars). 14 submissions from 14 submitters: Pathogenic (10); Likely pathogenic (2); Uncertain significance (1). 1 of the submissions does not count toward it. Last evaluated 2026-02-01.

Conditions:
Myocardial infarction. Identifiers: MedGen C0027051, MONDO:0005068, HP:0001658.
Rigidity. Identifiers: MedGen C0026837, HP:0002063.
Headache. Also called: Headaches. Identifiers: MedGen C0018681, HP:0002315.
Myotonia of the upper limb. Identifiers: MedGen C4022683, HP:0012903.
EMG: myotonic discharges. Identifiers: MedGen C4022169, HP:0100284.
Vertigo. Identifiers: MedGen C0042571, HP:0002321.
Congenital myotonia, autosomal dominant form (THD). Also called: Myotonia congenita autosomal dominant; THOMSEN DISEASE. Identifiers: Orphanet 614, MedGen C2936781, MONDO:0008055, OMIM 160800.
Congenital myotonia, autosomal recessive form. Also called: Becker Generalized Myotonia; BECKER DISEASE; myotonia congenita, autosomal recessive. Identifiers: Orphanet 614, MedGen C0751360, MONDO:0009715, OMIM 255700.
CLCN1-related disorder. Also called: CLCN1-related condition.

Submissions (14):

Labcorp Genetics (formerly Invitae), Labcorp
Classification: Pathogenic for Congenital myotonia, autosomal recessive form; Congenital myotonia, autosomal dominant form. Last evaluated: 2026-02-01. Review status: criteria provided, single submitter. Criteria: Invitae Variant Classification Sherloc (09022015). Collection method: clinical testing. Allele origin: germline.
Comment: This sequence change replaces glycine, which is neutral and non-polar, with serine, which is neutral and polar, at codon 190 of the CLCN1 protein (p.Gly190Ser). This variant is present in population databases (rs797045032, gnomAD 0.004%). This missense change has been observed in individuals with autosomal dominant and autosomal recessive myotonia congenita (PMID: 19697366, 21221019, 22521272, 22921319, 23739125, 24349310, 26007199). It has also been observed to segregate with disease in related individuals; in the heterozygous state this variant was reported to be incompletely penetrant and in the homozygous state it was reported to cause a more severe phenotype (PMID: 19697366, 22921319). ClinVar contains an entry for this variant (Variation ID: 209139). An algorithm developed to predict the effect of missense changes on protein structure and function (PolyPhen-2) suggests that this variant is likely to be disruptive. Experimental studies have shown that this missense change affects CLCN1 function (PMID: 22521272, 23933576). For these reasons, this variant has been classified as Pathogenic.

Athena Diagnostics
Classification: Pathogenic. Last evaluated: 2025-09-29. Review status: criteria provided, single submitter. Criteria: Athena Diagnostics Criteria. Collection method: clinical testing. Allele origin: unknown.
Comment: This variant is statistically more frequent in affected individuals than in the general population and/or healthy controls and therefore is consistent with pathogenicity. This variant has been reported in multiple families with autosomal recessive myotonia congenita (PMID: 19697366, 21221019, 22921319, 23113340), however, it has also been reported in individuals with autosomal dominant myotonia congenita (PMID: 23113340, 19697366, 22921319). Assessment of experimental evidence suggests this variant results in abnormal protein function. (PMID: 22521272, 23933576, 26007199). Polyphen and MutationTaster predict this amino acid change may be damaging to the protein.

Molecular Genetics, Royal Melbourne Hospital
Classification: Pathogenic for Congenital myotonia, autosomal recessive form. Last evaluated: 2024-12-06. Review status: criteria provided, single submitter. Criteria: ACMG Guidelines, 2015. Collection method: clinical testing. Allele origin: germline. Inheritance: Autosomal recessive inheritance. Affected: yes.
Comment: This multinucleotide sequence change in CLCN1 is predicted to replace glycine with serine at codon 190, p.(Gly190Ser). The glycine residue is highly conserved (100 vertebrates, Multiz Alignments), and is located in the transmembrane D helix (PMID: 37892996). There is a small physicochemical difference between glycine and serine. The highest expected population minor allele frequency in the population database gnomAD v4.1 is 0.005% (56/1,180,050 alleles) in the European (non-Finnish) population, consistent with recessive disease. ClinVar contains an entry for this variant (Variation ID: 209139). This variant has been detected as homozygous and compound heterozygous in multiple individuals with myotonia congenita, with at least one pathogenic variant confirmed on the second allele (PMID: 19697366, 22521272, 34529042, 24349310, 29606556), and appeared to segregate with disease in one family (PMID: 19697366). Affected heterozygotes have been reported with a milder phenotype, and the variant appears to segregate with disease in these families (PMID: 23113340, 22921319, 19697366). Functional studies are supportive of a damaging effect on protein function (PMID: 23933576, 22521272, 34529042). Based on the classification scheme RMH Modified ACMG/AMP Guidelines v1.7.1, this variant is classified as PATHOGENIC. Following criteria are met: PM2_Supporting, PM3_Very Strong, PS3_Supp, PP1.

CeGaT Center for Human Genetics Tuebingen
Classification: Pathogenic. Last evaluated: 2024-07-01. Review status: criteria provided, single submitter. Criteria: CeGaT Center For Human Genetics Tuebingen Variant Classification Criteria Version 2. Collection method: clinical testing. Allele origin: germline. Affected: yes. Observed: 4 variant alleles.
Comment: CLCN1: PM3:Very Strong, PM2, PS3:Supporting

Fulgent Genetics
Classification: Pathogenic for Congenital myotonia, autosomal dominant form; Congenital myotonia, autosomal recessive form. Last evaluated: 2024-06-17. Review status: criteria provided, single submitter. Criteria: ACMG Guidelines, 2015. Collection method: clinical testing. Allele origin: germline.

Women's Health and Genetics/Laboratory Corporation of America, LabCorp
Classification: Pathogenic for Congenital myotonia, autosomal recessive form. Last evaluated: 2024-03-26. Review status: criteria provided, single submitter. Criteria: LabCorp Variant Classification Summary - May 2015. Collection method: clinical testing. Allele origin: germline.
Comment: Variant summary: CLCN1 c.568_569delinsTC (p.Gly190Ser) results in a non-conservative amino acid change in the encoded protein sequence. Four of four in-silico tools predict a damaging effect of the variant on protein function. The variant allele was found at a frequency of 4.4e-05 in 251480 control chromosomes (gnomAD). c.568_569delinsTC has been reported in the literature in multiple individuals affected with Congenital Myotonia, Autosomal Recessive Form (e.g. Shalata_2010). These data indicate that the variant is very likely to be associated with disease. At least one publication reports experimental evidence evaluating an impact on protein function, finding that the variant results in a dramatic shift in voltage dependence of channel activation (Desaphy_2013). The following publications have been ascertained in the context of this evaluation (PMID: 19697366, 23933576). ClinVar contains an entry for this variant (Variation ID: 209139). Based on the evidence outlined above, the variant was classified as pathogenic.

Revvity Omics, Revvity
Classification: Pathogenic. Last evaluated: 2023-08-17. Review status: criteria provided, single submitter. Criteria: ACMG Guidelines, 2015. Collection method: clinical testing. Allele origin: germline.

GeneDx
Classification: Pathogenic. Last evaluated: 2021-12-03. Review status: criteria provided, single submitter. Criteria: GeneDx Variant Classification Process June 2021. Collection method: clinical testing. Allele origin: germline. Affected: yes.
Comment: Published electrophysiological studies in HEK293 cells showed a dramatic positive shift in voltage-dependent activation and highly reduced chloride currents (Desaphy et al., 2013); Not observed in large population cohorts (Lek et al., 2016); In silico analysis supports a deleterious effect on protein structure/function; This variant is associated with the following publications: (PMID: 26633545, 23739125, 32117024, 32664137, 23933576, 22921319, 23113340, 24349310, 19697366, 22521272, 29606556, 32558419, 33013670, 32655465, 29809153)

MGZ Medical Genetics Center
Classification: Pathogenic for Congenital myotonia, autosomal dominant form. Last evaluated: 2021-09-27. Review status: criteria provided, single submitter. Criteria: ACMG Guidelines, 2015. Collection method: clinical testing. Allele origin: germline. Affected: yes. Observed: 1 variant allele.
Comment: ACMG criteria applied: PS3, PS4_MOD, PM3, PM2_SUP, PP1

Eurofins Ntd Llc (ga)
Classification: Uncertain significance. Last evaluated: 2017-01-13. Review status: criteria provided, single submitter. Criteria: EGL Classification Definitions 2015. Collection method: clinical testing. Allele origin: germline. Observed: 1 variant allele, 1 heterozygote.

Centre for Mendelian Genomics, University Medical Centre Ljubljana
Classification: Pathogenic for EMG: myotonic discharges; Headache; Myocardial infarction; Myotonia of the upper limb; Rigidity; Vertigo. Last evaluated: 2017-01-01. Review status: criteria provided, single submitter. Criteria: ACMG Guidelines, 2015. Collection method: clinical testing. Allele origin: unknown. Affected: yes.

Baylor Genetics
Classification: Likely pathogenic for Congenital myotonia, autosomal recessive form. Last evaluated: 2013-11-26. Review status: criteria provided, single submitter. Criteria: Yang et al. 2013. Collection method: clinical testing. Allele origin: germline. Inheritance: Autosomal recessive inheritance. Affected: yes. Observed: 1 variant allele, 1 compound heterozygote. Study: Adult_WES.

Department Of Human Genetics, Institute Of Clinical And Translational Research, Biomedical Research Center, Slovak Academy Of Sciences
Classification: Likely pathogenic for Congenital myotonia, autosomal recessive form; Congenital myotonia, autosomal dominant form. Review status: criteria provided, single submitter. Criteria: ACMG Guidelines, 2015. Collection method: research. Allele origin: germline. Inheritance: Autosomal unknown. Affected: yes. Observed: 1 variant allele.
Comment: According to PMID: 26007199, this variant is found in the highly conserved ClC-1 helix D motif, which plays a critical role in the chloride ion pathway. This variant has been reported in multiple families with autosomal recessive myotonia congenita (PMID: 19697366, 21221019, 22921319, 23113340), however, it has also been reported in individuals with autosomal dominant myotonia congenita (PMID: 23113340, 19697366, 22921319). As shown in PMID: 23933576, this variant in the heterozygous state manifests as asymptomatic or with only mild manifestations.

PreventionGenetics, part of Exact Sciences
Classification: Pathogenic for CLCN1-related condition. Last evaluated: 2024-08-02. Review status: no assertion criteria provided. Collection method: clinical testing. Allele origin: germline. Not counted in ClinVar's aggregate classification.
Comment: The CLCN1 c.568_569delinsTC variant is predicted to result in an in-frame deletion and insertion. This variant has been reported in the homozygous state or with a second CLCN1 variant in many individuals with myotonia congenita (see, for example, Shalata et al. 2010. PubMed ID: 19697366; Ulzi et al. 2012. PubMed ID: 22521272; Supplementary Table 1, Suetterlin et al. 2022. PubMed ID: 34529042). Some heterozygous individuals have been reported to have mild features as well (Shalata et al. 2010. PubMed ID: 19697366; Portaro et al. 2012. PubMed ID: 22921319). This variant has been noted to segregate with disease in families (Shalata et al. 2010. PubMed ID: 19697366; Orsin et ali. 2020. PubMed ID: 32117024). In vitro experimental studies suggest this variant affects protein function (Desaphy et al. 2013. PubMed ID: 23933576; Ulzi et al. 2012. PubMed ID: 2252127). This variant has not been reported in a large population database, indicating this variant is rare. This variant is interpreted as pathogenic.

Literature cited by the submitters: PubMed 19697366 (cited by 4 submitters); PubMed 21221019 (cited by Labcorp Genetics (formerly Invitae), Labcorp and Athena Diagnostics); PubMed 22521272 (cited by 3 submitters); PubMed 22921319 (cited by 3 submitters); PubMed 23739125 (cited by Labcorp Genetics (formerly Invitae), Labcorp and Athena Diagnostics); PubMed 24349310 (cited by 3 submitters); PubMed 26007199 (cited by 3 submitters); PubMed 23933576 (cited by 5 submitters); PubMed 34529042 (cited by Athena Diagnostics and Molecular Genetics, Royal Melbourne Hospital); PubMed 29935101 (cited by Athena Diagnostics); PubMed 32558419 (cited by Athena Diagnostics); PubMed 33013670 (cited by Athena Diagnostics); PubMed 28427807 (cited by Athena Diagnostics); PubMed 29606556 (cited by Athena Diagnostics and Molecular Genetics, Royal Melbourne Hospital); PubMed 32117024 (cited by Athena Diagnostics); PubMed 23113340 (cited by Athena Diagnostics and Molecular Genetics, Royal Melbourne Hospital); PubMed 37892996 (cited by Molecular Genetics, Royal Melbourne Hospital); PubMed 26633545 (cited by Baylor Genetics).

NM_000083.3(CLCN1):c.568_569delinsTC (p.Gly190Ser)

Gene: CLCN1 (chloride voltage-gated channel 1; plus strand). Cytogenetic location: 7q34.
Variant type: Indel.
Coding change: c.568_569delinsTC on transcript NM_000083.3 (MANE Select); coding-DNA positions 568 to 569, GG replaced by TC.
Protein change: p.Gly190Ser; replaces glycine 190 with serine.
Molecular consequence: missense variant. On other transcripts: non-coding transcript variant (1).
Genome position (GRCh38, 1-based): chr7:143,321,720-143,321,721, GG replaced by TC. VCF-style: chr7-143321720-GG-TC. GRCh37 (hg19) VCF-style: chr7-143018813-GG-TC.
Other names: c.568_569delGGinsTC (NM_000083.3); short protein forms G190S.
Identifiers: ClinVar variation 209139 (VCV000209139.61), dbSNP rs797045032, ClinGen allele CA276131.